The following is an entry in ClinVar:

ClinVar aggregate classification (germline): Uncertain significance (1 of 4 stars; one submission).

Conditions:
Majeed syndrome (MJDS). Also called: CHRONIC RECURRENT MULTIFOCAL OSTEOMYELITIS 1, WITH CONGENITAL DYSERYTHROPOIETIC ANEMIA, WITH OR WITHOUT NEUTROPHILIC DERMATOSIS; LPIN2-Related Majeed Syndrome. Identifiers: Orphanet 77297, MedGen C1864997, MONDO:0012316, OMIM 609628.

Allele frequency attached by ClinVar (database versions not stated): gnomAD exomes below 0.00001; ExAC 0.00001; TOPMed 0.00001.

Submission:

Labcorp Genetics (formerly Invitae), Labcorp
Classification: Uncertain significance for Majeed syndrome. Last evaluated: 2021-09-01. Review status: criteria provided, single submitter. Criteria: Invitae Variant Classification Sherloc (09022015). Collection method: clinical testing. Allele origin: germline.
Comment: This sequence change replaces glycine with alanine at codon 390 of the LPIN2 protein (p.Gly390Ala). The glycine residue is moderately conserved and there is a small physicochemical difference between glycine and alanine. This variant is present in population databases (rs761918167, ExAC 0.01%). This variant has not been reported in the literature in individuals affected with LPIN2-related conditions. Algorithms developed to predict the effect of missense changes on protein structure and function (SIFT, PolyPhen-2, Align-GVGD) all suggest that this variant is likely to be tolerated. Algorithms developed to predict the effect of sequence changes on RNA splicing suggest that this variant may disrupt the consensus splice site. In summary, the available evidence is currently insufficient to determine the role of this variant in disease. Therefore, it has been classified as a Variant of Uncertain Significance.

NM_001375808.2(LPIN2):c.1169G>C (p.Gly390Ala)

Gene: LPIN2 (lipin 2; minus strand). Cytogenetic location: 18p11.31.
Variant type: single nucleotide variant.
Coding change: c.1169G>C on transcript NM_001375808.2 (MANE Select); coding-DNA position 1169, G replaced by C.
Protein change: p.Gly390Ala; replaces glycine 390 with alanine.
Molecular consequence: missense variant.
Genome position (GRCh38, 1-based): chr18:2,934,450, C>G on the plus strand (G>C on the coding strand, the complement: LPIN2 is on the minus strand). VCF-style: chr18-2934450-C-G. GRCh37 (hg19) VCF-style: chr18-2934448-C-G.
Other names: c.1169G>C, p.Gly390Ala (NM_001375809.1, NM_014646.2); short protein forms G390A.
Identifiers: ClinVar variation 838944 (VCV000838944.8), dbSNP rs761918167, ClinGen allele CA8873174.
Genomic context (GRCh38, chr18:2,934,450, plus strand): 5'-CCCTTTAAGTCATCAAGGTAAATATCATCAGGTCCCTGGTGTTGGCTTCTTTTGTGAACA[C>G]CTGTTTAAAAAAAAAATCAGAGGTAAGAATTTAGTTATTCTTCATTTACAGCTCTGCAAA-3'
Protein context (NP_001362737.1, residues 380-400): AKVDSPSKKK[Gly390Ala]VHKRSQHQGP